The following is an entry in ClinVar:

NM_001273.5(CHD4):c.1588C>A (p.Pro530Thr)

Gene: CHD4 (chromodomain helicase DNA binding protein 4; minus strand). Cytogenetic location: 12p13.31.
Variant type: single nucleotide variant.
Coding change: c.1588C>A on transcript NM_001273.5 (MANE Select); coding-DNA position 1588, C replaced by A.
Protein change: p.Pro530Thr; replaces proline 530 with threonine.
Molecular consequence: missense variant.
Genome position (GRCh38, 1-based): chr12:6,598,320, G>T on the plus strand (C>A on the coding strand, the complement: CHD4 is on the minus strand). VCF-style: chr12-6598320-G-T. GRCh37 (hg19) VCF-style: chr12-6707486-G-T.
Other names: c.1567C>A, p.Pro523Thr (NM_001297553.2); c.1549C>A, p.Pro517Thr (NM_001363606.2); short protein forms P517T, P523T, P530T.
Identifiers: ClinVar variation 2824825 (VCV002824825.3), dbSNP rs2540407878, ClinGen allele CA383598791.

ClinVar aggregate classification (germline): Uncertain significance (1 of 4 stars; one submission).

Submission:

Labcorp Genetics (formerly Invitae), Labcorp
Classification: Uncertain significance. Last evaluated: 2022-12-29. Review status: criteria provided, single submitter. Criteria: Invitae Variant Classification Sherloc (09022015). Collection method: clinical testing. Allele origin: germline.
Comment: In summary, the available evidence is currently insufficient to determine the role of this variant in disease. Therefore, it has been classified as a Variant of Uncertain Significance. Advanced modeling of protein sequence and biophysical properties (such as structural, functional, and spatial information, amino acid conservation, physicochemical variation, residue mobility, and thermodynamic stability) performed at Invitae indicates that this missense variant is not expected to disrupt CHD4 protein function. This variant has not been reported in the literature in individuals affected with CHD4-related conditions. This variant is not present in population databases (gnomAD no frequency). This sequence change replaces proline, which is neutral and non-polar, with threonine, which is neutral and polar, at codon 530 of the CHD4 protein (p.Pro530Thr).